The following is an entry in ClinVar:

ClinVar aggregate classification (germline): Pathogenic (1 of 4 stars; one submission).

Conditions:
Bardet-Biedl syndrome (BBS). Identifiers: Orphanet 110, MedGen C0752166, MONDO:0015229.

Submission:

Labcorp Genetics (formerly Invitae), Labcorp
Classification: Pathogenic for Bardet-Biedl syndrome. Last evaluated: 2023-05-16. Review status: criteria provided, single submitter. Criteria: Invitae Variant Classification Sherloc (09022015). Collection method: clinical testing. Allele origin: germline.
Comment: For these reasons, this variant has been classified as Pathogenic. This variant disrupts a region of the BBS10 protein in which other variant(s) (p.Val707*) have been determined to be pathogenic (PMID: 20472660, 22773737, 25982971, 27486776). This suggests that this is a clinically significant region of the protein, and that variants that disrupt it are likely to be disease-causing. This variant has not been reported in the literature in individuals affected with BBS10-related conditions. This sequence change creates a premature translational stop signal (p.Cys166Leufs*2) in the BBS10 gene. While this is not anticipated to result in nonsense mediated decay, it is expected to disrupt the last 558 amino acid(s) of the BBS10 protein. This variant is not present in population databases (gnomAD no frequency).

Literature cited by the submitters: PubMed 20472660; PubMed 22773737; PubMed 25982971; PubMed 27486776.

NM_024685.4(BBS10):c.496dup (p.Cys166fs)

Gene: BBS10 (Bardet-Biedl syndrome 10; minus strand). Cytogenetic location: 12q21.2.
Variant type: Duplication.
Coding change: c.496dup on transcript NM_024685.4 (MANE Select); coding-DNA position 496, one base duplicated (T; older notation c.496dupT).
Protein change: p.Cys166fs; shifts the reading frame from cysteine 166.
Molecular consequence: frameshift variant.
Genome position (GRCh38, 1-based): chr12:76,347,489, A duplicated on the plus strand (T on the coding strand, the reverse complement: BBS10 is on the minus strand). VCF-style (leftmost placement, unchanged base first): chr12-76347488-C-CA. GRCh37 (hg19) VCF-style: chr12-76741268-C-CA.
Other names: short protein forms C166fs.
Identifiers: ClinVar variation 2864720 (VCV002864720.3), dbSNP rs2540956792, ClinGen allele CA2739272196.